The following is an entry in ClinVar:

NM_002386.4(MC1R):c.202A>C (p.Asn68His)

Gene: MC1R (melanocortin 1 receptor; plus strand). Cytogenetic location: 16q24.3.
Variant type: single nucleotide variant.
Coding change: c.202A>C on transcript NM_002386.4 (MANE Select); coding-DNA position 202, A replaced by C.
Protein change: p.Asn68His; replaces asparagine 68 with histidine.
Molecular consequence: missense variant.
Genome position (GRCh38, 1-based): chr16:89,919,460, A>C. VCF-style: chr16-89919460-A-C. GRCh37 (hg19) VCF-style: chr16-89985868-A-C.
Other names: short protein forms N68H.
Identifiers: ClinVar variation 4550293 (VCV004550293.1).

ClinVar aggregate classification (germline): Uncertain significance (1 of 4 stars; one submission).

Submission:

Ambry Genetics
Classification: Uncertain significance. Last evaluated: 2025-10-02. Review status: criteria provided, single submitter. Criteria: Ambry Variant Classification Scheme 2023. Collection method: clinical testing. Allele origin: germline.
Comment: The p.N68H variant (also known as c.202A>C), located in coding exon 1 of the MC1R gene, results from an A to C substitution at nucleotide position 202. The asparagine at codon 68 is replaced by histidine, an amino acid with similar properties. This amino acid position is conserved. In addition, this alteration is predicted to be tolerated by in silico analysis. Based on the available evidence, the clinical significance of this variant remains unclear.